The following is an entry in ClinVar:

ClinVar aggregate classification (germline): Uncertain significance (1 of 4 stars; one submission).

Conditions:
Inborn genetic diseases. Identifiers: MedGen C0950123, MeSH D030342.

gnomAD v4.1: 4 of 1,598,810 alleles (0.00025%); highest among the groups gnomAD compares: African/African-American, 0.004%; no homozygotes.

Submission:

Ambry Genetics
Classification: Uncertain significance for Inborn genetic diseases. Last evaluated: 2024-11-22. Review status: criteria provided, single submitter. Criteria: Ambry Variant Classification Scheme 2023. Collection method: clinical testing. Allele origin: germline.
Comment: The p.N124D variant (also known as c.370A>G), located in coding exon 4 of the ELANE gene, results from an A to G substitution at nucleotide position 370. The asparagine at codon 124 is replaced by aspartic acid, an amino acid with highly similar properties. This amino acid position is conserved. In addition, this alteration is predicted to be tolerated by in silico analysis. Based on the available evidence, the clinical significance of this variant remains unclear.

NM_001972.4(ELANE):c.370A>G (p.Asn124Asp)

Gene: ELANE (elastase, neutrophil expressed; plus strand). Cytogenetic location: 19p13.3.
Variant type: single nucleotide variant.
Coding change: c.370A>G on transcript NM_001972.4 (MANE Select); coding-DNA position 370, A replaced by G.
Protein change: p.Asn124Asp; replaces asparagine 124 with aspartic acid.
Molecular consequence: missense variant.
Genome position (GRCh38, 1-based): chr19:855,567, A>G. VCF-style: chr19-855567-A-G. GRCh37 (hg19) VCF-style: chr19-855567-A-G.
Other names: short protein forms N124D.
Identifiers: ClinVar variation 3507753 (VCV003507753.1).